The following is an entry in ClinVar:

NM_053025.4(MYLK):c.4532G>C (p.Ser1511Thr)

Gene: MYLK (myosin light chain kinase; minus strand). Cytogenetic location: 3q21.1.
Variant type: single nucleotide variant.
Coding change: c.4532G>C on transcript NM_053025.4 (MANE Select); coding-DNA position 4532, G replaced by C.
Protein change: p.Ser1511Thr; replaces serine 1511 with threonine.
Molecular consequence: missense variant.
Genome position (GRCh38, 1-based): chr3:123,647,311, C>G on the plus strand (G>C on the coding strand, the complement: MYLK is on the minus strand). VCF-style: chr3-123647311-C-G. GRCh37 (hg19) VCF-style: chr3-123366158-C-G.
Other names: c.4004G>C, p.Ser1335Thr (NM_001321309.2); c.4325G>C, p.Ser1442Thr (NM_053026.4, NM_053028.4); c.4532G>C, p.Ser1511Thr (NM_053027.4); short protein forms S1511T, S1335T, S1442T.
Identifiers: ClinVar variation 1741290 (VCV001741290.5), dbSNP rs1412831614, ClinGen allele CA354227139.
Genomic context (GRCh38, chr3:123,647,311, plus strand): 5'-TTTTCTTCAAAGGCATCCACACACTGGACCAGCTTAGGGTGGTGGAGGCAGTTCATGATG[C>G]TAATCTCCTGCCGGATATTCTCTTTCTCTTTTGCTGAATATGCCTTGAAGAACTTCCCTG-3'
Protein context (NP_444253.3, residues 1501-1521): KEKENIRQEI[Ser1511Thr]IMNCLHHPKL

ClinVar aggregate classification (germline): Uncertain significance. Review status: criteria provided, multiple submitters, no conflicts (2 of 4 stars). 2 submissions from 2 submitters: Uncertain significance (2). Last evaluated 2024-01-20.

Conditions:
Aortic aneurysm, familial thoracic 7 (AAT7). Also called: AORTIC DISSECTION, FAMILIAL, WITH OR WITHOUT AORTIC ANEURYSM. Identifiers: MedGen C3151077, MONDO:0013418, OMIM 613780.
Familial thoracic aortic aneurysm and aortic dissection (TAAD). Also called: Thoracic aortic aneurysms and dissections. Identifiers: Orphanet 91387, MedGen C4707243, MONDO:0019625.

Allele frequency attached by ClinVar (database versions not stated): gnomAD exomes below 0.00001.
gnomAD v4.1: 2 of 1,614,232 alleles (0.00012%); highest among the groups gnomAD compares: Non-Finnish European, 0.00017%; no homozygotes.

Submissions (2):

Labcorp Genetics (formerly Invitae), Labcorp
Classification: Uncertain significance for Aortic aneurysm, familial thoracic 7. Last evaluated: 2024-01-20. Review status: criteria provided, single submitter. Criteria: Invitae Variant Classification Sherloc (09022015). Collection method: clinical testing. Allele origin: germline.
Comment: This sequence change replaces serine, which is neutral and polar, with threonine, which is neutral and polar, at codon 1511 of the MYLK protein (p.Ser1511Thr). This variant is present in population databases (no rsID available, gnomAD 0.0009%). This variant has not been reported in the literature in individuals affected with MYLK-related conditions. ClinVar contains an entry for this variant (Variation ID: 1741290). Advanced modeling of protein sequence and biophysical properties (such as structural, functional, and spatial information, amino acid conservation, physicochemical variation, residue mobility, and thermodynamic stability) performed at Invitae indicates that this missense variant is not expected to disrupt MYLK protein function with a negative predictive value of 80%. In summary, the available evidence is currently insufficient to determine the role of this variant in disease. Therefore, it has been classified as a Variant of Uncertain Significance.

Ambry Genetics
Classification: Uncertain significance for Familial thoracic aortic aneurysm and aortic dissection. Last evaluated: 2021-11-14. Review status: criteria provided, single submitter. Criteria: Ambry Variant Classification Scheme 2023. Collection method: clinical testing. Allele origin: germline.
Comment: The p.S1511T variant (also known as c.4532G>C), located in coding exon 24 of the MYLK gene, results from a G to C substitution at nucleotide position 4532. The serine at codon 1511 is replaced by threonine, an amino acid with similar properties. This amino acid position is conserved. In addition, this alteration is predicted to be tolerated by in silico analysis. Since supporting evidence is limited at this time, the clinical significance of this alteration remains unclear.